The following is an entry in ClinVar:

ClinVar aggregate classification (germline): Likely benign. Review status: criteria provided, multiple submitters, no conflicts (2 of 4 stars). 2 submissions from 2 submitters: Likely benign (2). Last evaluated 2021-09-11.

Conditions:
ANO5-Related Muscle Diseases. Identifiers: MedGen CN180644.

Allele frequency attached by ClinVar (database versions not stated): gnomAD 0.00608 and 0.00564; TOPMed 0.00680; 1000 Genomes Project 0.00719; 1000 Genomes Project 30x 0.00828.

Submissions (2):

GeneDx
Classification: Likely benign. Last evaluated: 2021-09-11. Review status: criteria provided, single submitter. Criteria: GeneDx Variant Classification Process June 2021. Collection method: clinical testing. Allele origin: germline. Affected: yes.

Illumina Laboratory Services, Illumina
Classification: Likely benign for ANO5-Related Muscle Diseases. Last evaluated: 2018-01-13. Review status: criteria provided, single submitter. Criteria: ICSL Variant Classification Criteria 13 December 2019. Collection method: clinical testing. Allele origin: germline.
Comment: This variant was observed in the ICSL laboratory as part of a predisposition screen in an ostensibly healthy population. It had not been previously curated by ICSL or reported in the Human Gene Mutation Database (HGMD: prior to June 1st, 2018), and was therefore a candidate for classification through an automated scoring system. Utilizing variant allele frequency, disease prevalence and penetrance estimates, and inheritance mode, an automated score was calculated to assess if this variant is too frequent to cause the disease. Based on the score and internal cut-off values, a variant classified as likely benign is not then subjected to further curation. The score for this variant resulted in a classification of likely benign for this disease.

NM_213599.3(ANO5):c.*2869A>G

Gene: ANO5 (anoctamin 5; plus strand). Cytogenetic location: 11p14.3.
Variant type: single nucleotide variant.
Coding change: c.*2869A>G on transcript NM_213599.3 (MANE Select); 2869 bases downstream of the stop codon, A replaced by G.
Molecular consequence: 3 prime UTR variant.
Genome position (GRCh38, 1-based): chr11:22,282,634, A>G. VCF-style: chr11-22282634-A-G. GRCh37 (hg19) VCF-style: chr11-22304180-A-G.
Other names: c.*2869A>G (NM_001142649.2).
Identifiers: ClinVar variation 304156 (VCV000304156.7), dbSNP rs115249135, ClinGen allele CA10638803.